The following is an entry in ClinVar:

NR_033294.2(SNORD118):n.9G>C

Genes: SNORD118 (small nucleolar RNA, C/D box 118; minus strand), TMEM107 (transmembrane protein 107; minus strand). Cytogenetic location: 17p13.1.
Variant type: single nucleotide variant.
Molecular consequence: non-coding transcript variant (on NR_033294.2). On other transcripts: 3 prime UTR variant (5).
Genome position: GRCh38 VCF-style: chr17-8173580-C-G. GRCh37 (hg19) VCF-style: chr17-8076898-C-G.
Other names: c.*623G>C (NM_001351278.2, NM_001351279.2, NM_001351280.2 and 2 more transcripts).
Identifiers: ClinVar variation 1917661 (VCV001917661.4), dbSNP rs76749993, ClinGen allele CA8370834.
Genomic context (GRCh38, chr17:8,173,580, plus strand): 5'-ATCTCCAATCATCATGTTCTAATCTGCCCTCCGGAGGAGGAACAGGTAAGGATTATCCCA[C>G]CTGACGATACAGACAAACAGCCGACATTCTGCACTCAGTGAAAAAGATTCCGTTACAAGC-3'

ClinVar aggregate classification (germline): Uncertain significance (1 of 4 stars; one submission).

gnomAD v4.1: 39 of 764,168 alleles (0.0051%); highest among the groups gnomAD compares: Middle Eastern, 0.11%; no homozygotes.

Submission:

Labcorp Genetics (formerly Invitae), Labcorp
Classification: Uncertain significance. Last evaluated: 2022-08-13. Review status: criteria provided, single submitter. Criteria: Invitae Variant Classification Sherloc (09022015). Collection method: clinical testing. Allele origin: germline.
Comment: In summary, the available evidence is currently insufficient to determine the role of this variant in disease. Therefore, it has been classified as a Variant of Uncertain Significance. Algorithms developed to predict the effect of sequence changes on RNA splicing suggest that this variant may disrupt the consensus splice site. This variant has not been reported in the literature in individuals affected with SNORD118-related conditions. This variant is present in population databases (rs76749993, gnomAD 0.01%). This variant occurs in the SNORD118 gene, which encodes an RNA molecule that does not result in a protein product.